The following is an entry in ClinVar:

ClinVar aggregate classification (germline): Conflicting classifications of pathogenicity. Review status: criteria provided, conflicting classifications (1 of 4 stars). 3 submissions from 3 submitters: Uncertain significance (2); Likely benign (1). Last evaluated 2025-08-31.

Conditions:
Hereditary cancer-predisposing syndrome. Also called: Hereditary neoplastic syndrome; Neoplastic Syndromes, Hereditary; Tumor predisposition; Hereditary Cancer Syndrome. Identifiers: Orphanet 140162, MedGen C0027672, MeSH D009386, MONDO:0015356.
Hereditary breast ovarian cancer syndrome. Also called: Hereditary breast and/or ovarian cancer syndrome; Hereditary breast and ovarian cancer syndrome; Hereditary breast and ovarian cancer syndrome (HBOC); Breast and ovarian cancer; BRCA1- and BRCA2-Associated Hereditary Breast and Ovarian Cancer; Hereditary breast and ovarian cancer. Identifiers: Orphanet 145, MedGen C0677776, MeSH D061325, MONDO:0003582. Disease mechanism: loss of function.

Submissions (3):

Labcorp Genetics (formerly Invitae), Labcorp
Classification: Uncertain significance for Hereditary breast ovarian cancer syndrome. Last evaluated: 2025-08-31. Review status: criteria provided, single submitter. Criteria: Invitae Variant Classification Sherloc (09022015). Collection method: clinical testing. Allele origin: germline.
Comment: This sequence change replaces histidine, which is basic and polar, with leucine, which is neutral and non-polar, at codon 1197 of the BRCA1 protein (p.His1197Leu). This variant is not present in population databases (gnomAD no frequency). This variant has not been reported in the literature in individuals affected with BRCA1-related conditions. ClinVar contains an entry for this variant (Variation ID: 949639). Invitae Evidence Modeling of protein sequence and biophysical properties (such as structural, functional, and spatial information, amino acid conservation, physicochemical variation, residue mobility, and thermodynamic stability) indicates that this missense variant is not expected to disrupt BRCA1 protein function with a negative predictive value of 80%. In summary, the available evidence is currently insufficient to determine the role of this variant in disease. Therefore, it has been classified as a Variant of Uncertain Significance.

Ambry Genetics
Classification: Uncertain significance for Hereditary cancer-predisposing syndrome. Last evaluated: 2024-04-09. Review status: criteria provided, single submitter. Criteria: Ambry Variant Classification Scheme 2023. Collection method: clinical testing. Allele origin: germline.
Comment: The p.H1197L variant (also known as c.3590A>T), located in coding exon 9 of the BRCA1 gene, results from an A to T substitution at nucleotide position 3590. The histidine at codon 1197 is replaced by leucine, an amino acid with similar properties. This amino acid position is poorly conserved in available vertebrate species. In addition, this alteration is predicted to be tolerated by in silico analysis. Since supporting evidence is limited at this time, the clinical significance of this alteration remains unclear.

University of Washington Department of Laboratory Medicine, University of Washington
Classification: Likely benign for Hereditary cancer-predisposing syndrome. Last evaluated: 2023-03-23. Review status: criteria provided, single submitter. Criteria: Dines et al. (Genet Med. 2020). Collection method: curation. Allele origin: germline.
Comment: Missense variant in a coldspot region where missense variants are very unlikely to be pathogenic (PMID:31911673).

BRCA1 coldspot (exon 11 using historical exon numbering). Reclassification based on statistical prior probability

NM_007294.4(BRCA1):c.3590A>T (p.His1197Leu)

Genes: BRCA1 (BRCA1 DNA repair associated; minus strand), LOC126862571 (BRD4-independent group 4 enhancer GRCh37_chr17:41243136-41244335; plus strand). Cytogenetic location: 17q21.31.
Variant type: single nucleotide variant.
Coding change: c.3590A>T on transcript NM_007294.4 (MANE Select); coding-DNA position 3590, A replaced by T.
Protein change: p.His1197Leu; replaces histidine 1197 with leucine.
Molecular consequence: missense variant. On other transcripts: intron variant (135).
Genome position (GRCh38, 1-based): chr17:43,091,941, T>A on the plus strand (A>T on the coding strand, the complement: BRCA1 is on the minus strand). VCF-style: chr17-43091941-T-A. GRCh37 (hg19) VCF-style: chr17-41243958-T-A.
Other names: c.3377A>T, p.His1126Leu (NM_001407571.1, NM_001407853.1, NM_001407894.1 and 9 more transcripts); c.3590A>T, p.His1197Leu (NM_001407581.1, NM_001407582.1, NM_001407583.1 and 30 more transcripts); c.3587A>T, p.His1196Leu (NM_001407587.1, NM_001407590.1, NM_001407591.1 and 22 more transcripts); c.3581A>T, p.His1194Leu (NM_001407646.1, NM_001407647.1); c.3467A>T, p.His1156Leu (NM_001407648.1, NM_001407664.1, NM_001407665.1 and 19 more transcripts); c.3464A>T, p.His1155Leu (NM_001407649.1, NM_001407670.1, NM_001407671.1 and 11 more transcripts); c.3512A>T, p.His1171Leu (NM_001407653.1, NM_001407654.1, NM_001407655.1 and 4 more transcripts); c.3509A>T, p.His1170Leu (NM_001407659.1, NM_001407660.1, NM_001407661.1 and 1 more transcripts); and 41 more; short protein forms H1150L, H1197L, H1069L, H1126L, H1130L, H1156L, H1070L, H1109L.
Identifiers: ClinVar variation 949639 (VCV000949639.16), dbSNP rs2053559788, ClinGen allele CA10594783.